The following is an entry in ClinVar:

ClinVar aggregate classification (germline): Uncertain significance. Review status: criteria provided, multiple submitters, no conflicts (2 of 4 stars). 7 submissions from 7 submitters: Uncertain significance (7). Last evaluated 2026-03-20.

Conditions:
SDHA-related disorder. Also called: SDHA-related disorders; SDHA-related condition.
Hereditary cancer-predisposing syndrome. Also called: Tumor predisposition; Hereditary Cancer Syndrome; Hereditary neoplastic syndrome; Neoplastic Syndromes, Hereditary. Identifiers: Orphanet 140162, MedGen C0027672, MeSH D009386, MONDO:0015356.
Dilated cardiomyopathy 1GG (CMD1GG). Identifiers: Orphanet 154, MedGen C3150898, MONDO:0013339, OMIM 613642.
Pheochromocytoma/paraganglioma syndrome 5. Also called: Paragangliomas 5; SDHA-Related Hereditary Paraganglioma-Pheochromocytoma Syndrome. Identifiers: Orphanet 29072, MedGen C3279992, MONDO:0013602, OMIM 614165.
Mitochondrial complex II deficiency, nuclear type 1. Also called: SUCCINATE CoQ REDUCTASE DEFICIENCY. Identifiers: Orphanet 3208, MedGen C5700310, MONDO:0100294, OMIM 252011.

Allele frequency attached by ClinVar (database versions not stated): TOPMed below 0.00001; gnomAD 0.00001; gnomAD exomes 0.00001; ExAC 0.00002; ESP Exome Variant Server 0.00008.
gnomAD v4.1: 13 of 1,613,742 alleles (0.00081%); highest among the groups gnomAD compares: Non-Finnish European, 0.0011%; no homozygotes.

Submissions (7):

PreventionGenetics, part of Exact Sciences
Classification: Uncertain significance for SDHA-related condition. Last evaluated: 2026-03-20. Review status: criteria provided, single submitter. Criteria: ACMG Guidelines, 2015. Collection method: clinical testing. Allele origin: germline.
Comment: The SDHA c.1430C>T variant is predicted to result in the amino acid substitution p.Pro477Leu. To our knowledge, this variant has not been reported in the literature in individuals with SDHA related conditions. This variant is reported in 0.0023% of alleles in individuals of European (Non-Finnish) descent in gnomAD. This variant is interpreted as uncertain in ClinVar (Variation ID: 574308). At this time, the clinical significance of this variant is uncertain due to the absence of conclusive functional and genetic evidence.

Labcorp Genetics (formerly Invitae), Labcorp
Classification: Uncertain significance for Pheochromocytoma/paraganglioma syndrome 5; Mitochondrial complex II deficiency, nuclear type 1. Last evaluated: 2026-01-25. Review status: criteria provided, single submitter. Criteria: Invitae Variant Classification Sherloc (09022015). Collection method: clinical testing. Allele origin: germline.
Comment: This sequence change replaces proline, which is neutral and non-polar, with leucine, which is neutral and non-polar, at codon 477 of the SDHA protein (p.Pro477Leu). This variant is present in population databases (rs146990772, gnomAD 0.002%). This variant has not been reported in the literature in individuals affected with SDHA-related conditions. ClinVar contains an entry for this variant (Variation ID: 574308). An algorithm developed to predict the effect of missense changes on protein structure and function (PolyPhen-2) suggests that this variant is likely to be tolerated. In summary, the available evidence is currently insufficient to determine the role of this variant in disease. Therefore, it has been classified as a Variant of Uncertain Significance.

GeneDx
Classification: Uncertain significance. Last evaluated: 2024-05-16. Review status: criteria provided, single submitter. Criteria: GeneDx Variant Classification Process June 2021. Collection method: clinical testing. Allele origin: germline. Affected: yes.
Comment: Not observed at significant frequency in large population cohorts (gnomAD); In silico analysis supports that this missense variant has a deleterious effect on protein structure/function; Has not been previously published as pathogenic or benign to our knowledge

Ambry Genetics
Classification: Uncertain significance for Hereditary cancer-predisposing syndrome. Last evaluated: 2024-04-16. Review status: criteria provided, single submitter. Criteria: Ambry Variant Classification Scheme 2023. Collection method: clinical testing. Allele origin: germline.
Comment: The p.P477L variant (also known as c.1430C>T), located in coding exon 10 of the SDHA gene, results from a C to T substitution at nucleotide position 1430. The proline at codon 477 is replaced by leucine, an amino acid with similar properties. This amino acid position is highly conserved in available vertebrate species. In addition, the in silico prediction for this alteration is inconclusive. Since supporting evidence is limited at this time, the clinical significance of this alteration remains unclear.

Baylor Genetics
Classification: Uncertain significance for Dilated cardiomyopathy 1GG. Last evaluated: 2024-03-03. Review status: criteria provided, single submitter. Criteria: ACMG Guidelines, 2015. Collection method: clinical testing. Allele origin: unknown.

Quest Diagnostics Nichols Institute San Juan Capistrano
Classification: Uncertain significance. Last evaluated: 2023-09-06. Review status: criteria provided, single submitter. Criteria: Quest Diagnostics criteria. Collection method: clinical testing. Allele origin: unknown.
Comment: This variant has not been reported in individuals affected with SDHA related disease in the published literature. The frequency of this variant in the general population, 0.000023 (3/128868 chromosomes (Genome Aggregation Database)), is uninformative in the assessment of its pathogenicity. Analysis of this variant using bioinformatics tools for the prediction of the effect of amino acid changes on protein structure and function yielded conflicting predictions that this variant is deleterious or benign. Based on the available information, we are unable to determine the clinical significance of this variant.

CeGaT Center for Human Genetics Tuebingen
Classification: Uncertain significance. Last evaluated: 2017-03-01. Review status: criteria provided, single submitter. Criteria: CeGaT Center For Human Genetics Tuebingen Variant Classification Criteria Version 2. Collection method: clinical testing. Allele origin: germline. Affected: yes. Observed: 1 variant allele.

Literature cited by the submitters: PubMed 28546994 (cited by Quest Diagnostics Nichols Institute San Juan Capistrano).

NM_004168.4(SDHA):c.1430C>T (p.Pro477Leu)

Gene: SDHA (succinate dehydrogenase complex flavoprotein subunit A; plus strand). Cytogenetic location: 5p15.33.
Variant type: single nucleotide variant.
Coding change: c.1430C>T on transcript NM_004168.4 (MANE Select); coding-DNA position 1430, C replaced by T.
Protein change: p.Pro477Leu; replaces proline 477 with leucine.
Molecular consequence: missense variant.
Genome position (GRCh38, 1-based): chr5:236,597, C>T. VCF-style: chr5-236597-C-T. GRCh37 (hg19) VCF-style: chr5-236712-C-T.
Other names: c.1286C>T, p.Pro429Leu (NM_001294332.2); c.1430C>T, p.Pro477Leu (NM_001330758.2); short protein forms P477L, P429L.
Identifiers: ClinVar variation 574308 (VCV000574308.57), dbSNP rs146990772, ClinGen allele CA3173225.
Genomic context (GRCh38, chr5:236,597, plus strand): 5'-TCTTGGACCTGGTTGTCTTTGGTCGGGCATGTGCCCTGAGCATCGAAGAGTCATGCAGGC[C>T]TGGTAAGTGTTTTCTTCAGGAGCCAGACTATTTGAGAAGGCGCAGGACGTTAGAAAGTCT-3'
Protein context (NP_004159.2, residues 467-487): CALSIEESCR[Pro477Leu]GDKVPPIKPN